The following is an entry in ClinVar:

ClinVar aggregate classification (germline): Uncertain significance. Review status: criteria provided, multiple submitters, no conflicts (2 of 4 stars). 4 submissions from 4 submitters: Uncertain significance (4). Last evaluated 2024-12-05.

Conditions:
Familial cancer of breast. Also called: BREAST CANCER, FAMILIAL; Hereditary breast cancer; hereditary breast carcinoma. Identifiers: Orphanet 227535, MedGen C0346153, MONDO:0016419, OMIM 114480. Disease mechanism: loss of function.
Hereditary cancer-predisposing syndrome. Also called: Neoplastic Syndromes, Hereditary; Tumor predisposition; Hereditary Cancer Syndrome; Hereditary neoplastic syndrome. Identifiers: Orphanet 140162, MedGen C0027672, MeSH D009386, MONDO:0015356.

Allele frequency attached by ClinVar (database versions not stated): TOPMed below 0.00001.

Submissions (4):

Ambry Genetics
Classification: Uncertain significance for Hereditary cancer-predisposing syndrome. Last evaluated: 2024-12-05. Review status: criteria provided, single submitter. Criteria: Ambry Variant Classification Scheme 2023. Collection method: clinical testing. Allele origin: germline.
Comment: The p.V313A variant (also known as c.938T>C), located in coding exon 8 of the CHEK2 gene, results from a T to C substitution at nucleotide position 938. The valine at codon 313 is replaced by alanine, an amino acid with similar properties. This amino acid position is conserved. In addition, this alteration is predicted to be deleterious by in silico analysis. Since supporting evidence is limited at this time, the clinical significance of this alteration remains unclear.

Labcorp Genetics (formerly Invitae), Labcorp
Classification: Uncertain significance for Familial cancer of breast. Last evaluated: 2024-02-01. Review status: criteria provided, single submitter. Criteria: Invitae Variant Classification Sherloc (09022015). Collection method: clinical testing. Allele origin: germline.
Comment: This sequence change replaces valine, which is neutral and non-polar, with alanine, which is neutral and non-polar, at codon 313 of the CHEK2 protein (p.Val313Ala). This variant is not present in population databases (gnomAD no frequency). This variant has not been reported in the literature in individuals affected with CHEK2-related conditions. ClinVar contains an entry for this variant (Variation ID: 920367). An algorithm developed to predict the effect of missense changes on protein structure and function (PolyPhen-2) suggests that this variant is likely to be disruptive. In summary, the available evidence is currently insufficient to determine the role of this variant in disease. Therefore, it has been classified as a Variant of Uncertain Significance.

GeneDx
Classification: Uncertain significance. Last evaluated: 2023-10-04. Review status: criteria provided, single submitter. Criteria: GeneDx Variant Classification Process June 2021. Collection method: clinical testing. Allele origin: germline. Affected: yes.
Comment: Not observed at significant frequency in large population cohorts (gnomAD); In silico analysis supports that this missense variant has a deleterious effect on protein structure/function; Has not been previously published as pathogenic or benign to our knowledge; This variant is associated with the following publications: (PMID: 22419737, 19782031)

Color Diagnostics, LLC DBA Color Health
Classification: Uncertain significance for Hereditary cancer-predisposing syndrome. Last evaluated: 2021-05-03. Review status: criteria provided, single submitter. Criteria: ACMG Guidelines, 2015. Collection method: clinical testing. Allele origin: germline.
Comment: This missense variant replaces valine with alanine at codon 313 of the CHEK2 protein. Computational prediction suggests that this variant may have deleterious impact on protein structure and function (internally defined REVEL score threshold >= 0.7, PMID: 27666373). Splice site prediction tools suggest that this variant may not impact RNA splicing. To our knowledge, functional studies have not been performed for this variant. This variant has not been reported in individuals affected with hereditary cancer in the literature. This variant has not been identified in the general population by the Genome Aggregation Database (gnomAD). The available evidence is insufficient to determine the role of this variant in disease conclusively. Therefore, this variant is classified as a Variant of Uncertain Significance.

NM_007194.4(CHEK2):c.938T>C (p.Val313Ala)

Gene: CHEK2 (checkpoint kinase 2; minus strand). Cytogenetic location: 22q12.1.
Variant type: single nucleotide variant.
Coding change: c.938T>C on transcript NM_007194.4 (MANE Select); coding-DNA position 938, T replaced by C.
Protein change: p.Val313Ala; replaces valine 313 with alanine.
Molecular consequence: missense variant.
Genome position (GRCh38, 1-based): chr22:28,699,908, A>G on the plus strand (T>C on the coding strand, the complement: CHEK2 is on the minus strand). VCF-style: chr22-28699908-A-G. GRCh37 (hg19) VCF-style: chr22-29095896-A-G.
Other names: c.1067T>C, p.Val356Ala (NM_001005735.3); c.275T>C, p.Val92Ala (NM_001257387.3); c.737T>C, p.Val246Ala (NM_001349956.3); c.938T>C, p.Val313Ala (NM_145862.3); short protein forms V356A, V246A, V313A, V92A.
Identifiers: ClinVar variation 920367 (VCV000920367.16), dbSNP rs1039682955, ClinGen allele CA323009538.